The following is an entry in ClinVar:

ClinVar aggregate classification (germline): Uncertain significance (1 of 4 stars; one submission).

Conditions:
Beckwith-Wiedemann syndrome (BWS). Also called: Exomphalos macroglossia gigantism syndrome; EMG SYNDROME. Identifiers: Orphanet 116, MedGen C0004903, MONDO:0007534, OMIM 130650.

Allele frequency attached by ClinVar (database versions not stated): gnomAD exomes below 0.00001.
gnomAD v4.1: 1 of 1,542,764 alleles (0.000065%); highest among the groups gnomAD compares: Non-Finnish European, 0.000087%; no homozygotes.

Submission:

Labcorp Genetics (formerly Invitae), Labcorp
Classification: Uncertain significance for Beckwith-Wiedemann syndrome. Last evaluated: 2023-02-23. Review status: criteria provided, single submitter. Criteria: Invitae Variant Classification Sherloc (09022015). Collection method: clinical testing. Allele origin: germline.
Comment: In summary, the available evidence is currently insufficient to determine the role of this variant in disease. Therefore, it has been classified as a Variant of Uncertain Significance. ClinVar contains an entry for this variant (Variation ID: 1005743). This variant has not been reported in the literature in individuals affected with CDKN1C-related conditions. This variant is not present in population databases (gnomAD no frequency). This sequence change affects the initiator methionine of the CDKN1C mRNA. The next in-frame methionine is located at codon 12.

NM_001122630.2(CDKN1C):c.-10-22T>C

Gene: CDKN1C (cyclin dependent kinase inhibitor 1C; minus strand). Cytogenetic location: 11p15.4.
Variant type: single nucleotide variant.
Coding change: c.-10-22T>C on transcript NM_001122630.2 (MANE Select); 22 bases into the intron before 10 bases upstream of the start codon, T replaced by C.
Molecular consequence: intron variant. On other transcripts: missense variant (2), initiator codon variant (2).
Genome position (GRCh38, 1-based): chr11:2,885,488, A>G on the plus strand (T>C on the coding strand, the complement: CDKN1C is on the minus strand). VCF-style: chr11-2885488-A-G. GRCh37 (hg19) VCF-style: chr11-2906718-A-G.
Other names: c.2T>C, p.Met1Thr (NM_000076.2, NM_001362474.2); c.-10-22T>C (NM_001362475.2, NM_001122631.2); short protein forms M1T.
Identifiers: ClinVar variation 1005743 (VCV001005743.10), dbSNP rs1848984628, ClinGen allele CA379148051.